The following is an entry in ClinVar:

NM_004369.4(COL6A3):c.2378C>T (p.Pro793Leu)

Gene: COL6A3 (collagen type VI alpha 3 chain; minus strand). Cytogenetic location: 2q37.3.
Variant type: single nucleotide variant.
Coding change: c.2378C>T on transcript NM_004369.4 (MANE Select); coding-DNA position 2378, C replaced by T.
Protein change: p.Pro793Leu; replaces proline 793 with leucine.
Molecular consequence: missense variant. On other transcripts: intron variant (1).
Genome position (GRCh38, 1-based): chr2:237,378,755, G>A on the plus strand (C>T on the coding strand, the complement: COL6A3 is on the minus strand). VCF-style: chr2-237378755-G-A. GRCh37 (hg19) VCF-style: chr2-238287398-G-A.
Other names: c.1157C>T, p.Pro386Leu (NM_057164.5); c.1760C>T, p.Pro587Leu (NM_057165.5, NM_057167.4); c.677-1411C>T (NM_057166.5); short protein forms P386L, P587L, P793L.
Identifiers: ClinVar variation 1055625 (VCV001055625.9), dbSNP rs747957874, ClinGen allele CA2189416.

ClinVar aggregate classification (germline): Uncertain significance (1 of 4 stars; one submission).

Conditions:
Bethlem myopathy 1A. Also called: Bethlem Muscular Dystrophy; MYOPATHY, BENIGN CONGENITAL, WITH CONTRACTURES; Bethlem myopathy 1. Identifiers: Orphanet 610, MedGen CN029274, MONDO:0024530, OMIM 158810.

Allele frequency attached by ClinVar (database versions not stated): gnomAD exomes below 0.00001 and 0.00001; ExAC 0.00001; gnomAD 0.00001; TOPMed 0.00001.
gnomAD v4.1: 11 of 1,614,080 alleles (0.00068%); highest among the groups gnomAD compares: Non-Finnish European, 0.00093%; no homozygotes.

Submission:

Labcorp Genetics (formerly Invitae), Labcorp
Classification: Uncertain significance for Bethlem myopathy 1A. Last evaluated: 2022-11-08. Review status: criteria provided, single submitter. Criteria: Invitae Variant Classification Sherloc (09022015). Collection method: clinical testing. Allele origin: germline.
Comment: Advanced modeling of protein sequence and biophysical properties (such as structural, functional, and spatial information, amino acid conservation, physicochemical variation, residue mobility, and thermodynamic stability) performed at Invitae indicates that this missense variant is not expected to disrupt COL6A3 protein function. In summary, the available evidence is currently insufficient to determine the role of this variant in disease. Therefore, it has been classified as a Variant of Uncertain Significance. ClinVar contains an entry for this variant (Variation ID: 1055625). This variant has not been reported in the literature in individuals affected with COL6A3-related conditions. This variant is present in population databases (rs747957874, gnomAD 0.0009%). This sequence change replaces proline, which is neutral and non-polar, with leucine, which is neutral and non-polar, at codon 793 of the COL6A3 protein (p.Pro793Leu).